The following is an entry in ClinVar:

ClinVar aggregate classification (germline): Uncertain significance. Review status: criteria provided, multiple submitters, no conflicts (2 of 4 stars). 4 submissions from 3 submitters: Uncertain significance (4). Last evaluated 2023-11-04.

Conditions:
Usher syndrome type 2A. Also called: RETINAL DISEASE IN USHER SYNDROME TYPE IIA, MODIFIER OF; USHER SYNDROME, TYPE IIA. Identifiers: Orphanet 231178, Orphanet 886, MedGen C1848634, MONDO:0010169, OMIM 276901.
Retinitis pigmentosa 39 (RP39). Identifiers: Orphanet 791, MedGen C3151138, MONDO:0013436, OMIM 613809.

gnomAD v4.1: 38 of 1,613,948 alleles (0.0024%); highest among the groups gnomAD compares: Non-Finnish European, 0.003%; no homozygotes.

Submissions (4):

Genome-Nilou Lab
Classification: Uncertain significance for Retinitis pigmentosa 39. Last evaluated: 2023-11-04. Review status: criteria provided, single submitter. Criteria: ACMG Guidelines, 2015. Collection method: clinical testing. Allele origin: germline. Affected: no.

Genome-Nilou Lab
Classification: Uncertain significance for Usher syndrome type 2A. Last evaluated: 2023-11-04. Review status: criteria provided, single submitter. Criteria: ACMG Guidelines, 2015. Collection method: clinical testing. Allele origin: germline. Affected: no.

Labcorp Genetics (formerly Invitae), Labcorp
Classification: Uncertain significance. Last evaluated: 2022-08-11. Review status: criteria provided, single submitter. Criteria: Invitae Variant Classification Sherloc (09022015). Collection method: clinical testing. Allele origin: germline.
Comment: This sequence change replaces methionine, which is neutral and non-polar, with isoleucine, which is neutral and non-polar, at codon 3271 of the USH2A protein (p.Met3271Ile). This variant is present in population databases (no rsID available, gnomAD 0.0009%). This variant has not been reported in the literature in individuals affected with USH2A-related conditions. ClinVar contains an entry for this variant (Variation ID: 1470450). Algorithms developed to predict the effect of missense changes on protein structure and function output the following: SIFT: "Deleterious"; PolyPhen-2: "Benign"; Align-GVGD: "Class C0". The isoleucine amino acid residue is found in multiple mammalian species, which suggests that this missense change does not adversely affect protein function. In summary, the available evidence is currently insufficient to determine the role of this variant in disease. Therefore, it has been classified as a Variant of Uncertain Significance.

Fulgent Genetics
Classification: Uncertain significance for Usher syndrome type 2A; Retinitis pigmentosa 39. Last evaluated: 2022-04-14. Review status: criteria provided, single submitter. Criteria: ACMG Guidelines, 2015. Collection method: clinical testing. Allele origin: unknown.

NM_206933.4(USH2A):c.9813G>T (p.Met3271Ile)

Gene: USH2A (usherin; minus strand). Cytogenetic location: 1q41.
Variant type: single nucleotide variant.
Coding change: c.9813G>T on transcript NM_206933.4 (MANE Select); coding-DNA position 9813, G replaced by T.
Protein change: p.Met3271Ile; replaces methionine 3271 with isoleucine.
Molecular consequence: missense variant.
Genome position (GRCh38, 1-based): chr1:215,799,052, C>A on the plus strand (G>T on the coding strand, the complement: USH2A is on the minus strand). VCF-style: chr1-215799052-C-A. GRCh37 (hg19) VCF-style: chr1-215972394-C-A.
Other names: short protein forms M3271I.
Identifiers: ClinVar variation 1470450 (VCV001470450.7), dbSNP rs137876918, ClinGen allele CA344849553.